The following is an entry in ClinVar:

ClinVar aggregate classification (germline): Likely benign (1 of 4 stars; one submission).

Submission:

CeGaT Center for Human Genetics Tuebingen
Classification: Likely benign. Last evaluated: 2025-10-01. Review status: criteria provided, single submitter. Criteria: CeGaT Center For Human Genetics Tuebingen Variant Classification Criteria Version 2. Collection method: clinical testing. Allele origin: germline. Affected: yes. Observed: 1 variant allele.
Comment: H4C5: BS1

NM_003545.4(H4C5):c.294_295del (p.Tyr99fs)

Gene: H4C5 (H4 clustered histone 5; plus strand). Cytogenetic location: 6p22.2.
Variant type: Deletion.
Coding change: c.294_295del on transcript NM_003545.4 (MANE Select); coding-DNA positions 294 to 295, 2 bases deleted (TT; older notation c.294_295delTT).
Protein change: p.Tyr99fs; shifts the reading frame from tyrosine 99.
Molecular consequence: frameshift variant.
Genome position (GRCh38, 1-based): chr6:26,204,938-26,204,939, TT deleted; deleting any 2 consecutive bases within chr6:26,204,937-26,204,939 gives the same sequence; the c. name uses the placement nearest the transcript's 3' end. VCF-style (leftmost placement, unchanged base first): chr6-26204936-CTT-C. GRCh37 (hg19) VCF-style: chr6-26205164-CTT-C.
Other names: short protein forms Y99fs.
Identifiers: ClinVar variation 4533841 (VCV004533841.6).
Genomic context (GRCh38, chr6:26,204,936, plus strand): 5'-AAACGCAAGACAGTGACAGCGATGGATGTGGTCTACGCGCTGAAGAGACAGGGACGCACT[CTT>C]TACGGCTTCGGCGGCTAATGCTACCGCTTAAACGACTCAGCATCTCGACTTCCCAAATCA-3'